The following is an entry in ClinVar:

ClinVar aggregate classification (germline): Uncertain significance. Review status: criteria provided, multiple submitters, no conflicts (2 of 4 stars). 5 submissions from 5 submitters: Uncertain significance (5). Last evaluated 2024-11-28.

Conditions:
Fanconi anemia (FA). Also called: Fanconi's anemia. Identifiers: Orphanet 84, MedGen C0015625, MeSH D005199, MONDO:0019391.
Inborn genetic diseases. Identifiers: MedGen C0950123, MeSH D030342.
Hereditary cancer-predisposing syndrome. Also called: Hereditary neoplastic syndrome; Neoplastic Syndromes, Hereditary; Tumor predisposition; Hereditary Cancer Syndrome. Identifiers: Orphanet 140162, MedGen C0027672, MeSH D009386, MONDO:0015356.

Allele frequency attached by ClinVar (database versions not stated): gnomAD 0.00001 and 0.00004; TOPMed 0.00001; gnomAD exomes 0.00015; ExAC 0.00018; 1000 Genomes Project 30x 0.00031; 1000 Genomes Project 0.00040.
gnomAD v4.1: 97 of 1,607,508 alleles (0.006%); highest among the groups gnomAD compares: South Asian, 0.1%; no homozygotes.

Submissions (5):

Ambry Genetics
Classification: Uncertain significance for Inborn genetic diseases. Last evaluated: 2024-11-28. Review status: criteria provided, single submitter. Criteria: Ambry Variant Classification Scheme 2023. Collection method: clinical testing. Allele origin: germline.
Comment: The p.E1366D variant (also known as c.4098A>T), located in coding exon 14 of the FANCM gene, results from an A to T substitution at nucleotide position 4098. The glutamic acid at codon 1366 is replaced by aspartic acid, an amino acid with highly similar properties. This amino acid position is conserved. In addition, this alteration is predicted to be tolerated by in silico analysis. Based on the available evidence, the clinical significance of this variant remains unclear.

Quest Diagnostics Nichols Institute San Juan Capistrano
Classification: Uncertain significance. Last evaluated: 2024-11-10. Review status: criteria provided, single submitter. Criteria: Quest Diagnostics criteria. Collection method: clinical testing. Allele origin: unknown.
Comment: The FANCM c.4098A>T (p.Glu1366Asp) variant has been reported in the published literature in individuals with a personal and/or family history of breast cancer and in reportedly healthy individuals (PMID: 33471991 (2021); LOVD3 Shared). The frequency of this variant in the general population, 0.0013 (37/29414 chromosomes in South Asian subpopulation (Genome Aggregation Database)), is higher than would generally be expected for pathogenic variants in this gene. Analysis of this variant using bioinformatics tools for the prediction of the effect of amino acid changes on protein structure and function yielded predictions that this variant is benign. Based on the available information, we are unable to determine the clinical significance of this variant.

Labcorp Genetics (formerly Invitae), Labcorp
Classification: Uncertain significance for Fanconi anemia. Last evaluated: 2024-07-21. Review status: criteria provided, single submitter. Criteria: Invitae Variant Classification Sherloc (09022015). Collection method: clinical testing. Allele origin: germline.
Comment: This sequence change replaces glutamic acid, which is acidic and polar, with aspartic acid, which is acidic and polar, at codon 1366 of the FANCM protein (p.Glu1366Asp). This variant is present in population databases (rs550675560, gnomAD 0.1%). This variant has not been reported in the literature in individuals affected with FANCM-related conditions. ClinVar contains an entry for this variant (Variation ID: 948583). An algorithm developed to predict the effect of missense changes on protein structure and function (PolyPhen-2) suggests that this variant is likely to be tolerated. In summary, the available evidence is currently insufficient to determine the role of this variant in disease. Therefore, it has been classified as a Variant of Uncertain Significance.

Sema4
Classification: Uncertain significance for Hereditary cancer-predisposing syndrome. Last evaluated: 2022-03-17. Review status: criteria provided, single submitter. Criteria: Sema4 Curation Guidelines. Collection method: curation. Allele origin: germline.
Comment: The FANCM c.4098A>T (p.E1366D) variant has been reported by the large case-control study in 3/60466 breast cancer cases and 3/53461 controls (PMID: 33471991). It was observed in 37/29414 chromosomes of the South Asian subpopulation, with no homozygotes, in the Genome Aggregation Database (PMID: 32461654). This variant has been reported in ClinVar (Variation ID 948583). In silico tools suggest the impact of the variant on protein function is benign, though these predictions have not been confirmed by functional studies. There is no indication that this variant causes disease, but the evidence is insufficient currently to prove that conclusively. Thus, the clinical significance of this variant is currently uncertain.

GeneDx
Classification: Uncertain significance. Last evaluated: 2020-06-12. Review status: criteria provided, single submitter. Criteria: GeneDx Variant Classification Process June 2021. Collection method: clinical testing. Allele origin: germline. Affected: yes.
Comment: In silico analysis supports that this missense variant does not alter protein structure/function; Has not been previously published as pathogenic or benign to our knowledge

Literature cited by the submitters: PubMed 33471991 (cited by Quest Diagnostics Nichols Institute San Juan Capistrano and Sema4).

NM_020937.4(FANCM):c.4098A>T (p.Glu1366Asp)

Gene: FANCM (FA complementation group M; plus strand). Cytogenetic location: 14q21.2.
Variant type: single nucleotide variant.
Coding change: c.4098A>T on transcript NM_020937.4 (MANE Select); coding-DNA position 4098, A replaced by T.
Protein change: p.Glu1366Asp; replaces glutamic acid 1366 with aspartic acid.
Molecular consequence: missense variant.
Genome position (GRCh38, 1-based): chr14:45,176,852, A>T. VCF-style: chr14-45176852-A-T. GRCh37 (hg19) VCF-style: chr14-45646055-A-T.
Other names: c.4020A>T, p.Glu1340Asp (NM_001308133.2); c.4098A>T (NM_020937.3); short protein forms E1340D, E1366D.
Identifiers: ClinVar variation 948583 (VCV000948583.14), dbSNP rs550675560, ClinGen allele CA7169622.